The following is an entry in ClinVar:

ClinVar aggregate classification (germline): Uncertain significance (1 of 4 stars; one submission).

Conditions:
Muscular dystrophy, limb-girdle, autosomal recessive 23. Identifiers: Orphanet 565837, MedGen C4748327, MONDO:0029136, OMIM 618138.

gnomAD v4.1: 5 of 1,612,850 alleles (0.00031%); highest among the groups gnomAD compares: South Asian, 0.0011%; no homozygotes.

Submission:

3billion
Classification: Uncertain significance for Muscular dystrophy, limb-girdle, autosomal recessive 23. Last evaluated: 2025-06-18. Review status: criteria provided, single submitter. Criteria: ACMG Guidelines, 2015. Collection method: clinical testing. Allele origin: germline. Affected: yes.
Comment: The variant is observed at an extremely low frequency in the gnomAD v4.1.0 dataset (total allele frequency: <0.001%). Predicted Consequence/Location: Synonymous variant In silico tools predict the variant to alter splicing and produce an abnormal transcript [SpliceAI: 0.92 (>=0.2, moderate evidence for spliceogenicity)]. Therefore, this variant is classified as VUS according to the recommendation of ACMG/AMP guideline.

NM_000426.4(LAMA2):c.7572G>A (p.Glu2524=)

Gene: LAMA2 (laminin subunit alpha 2; plus strand). Cytogenetic location: 6q22.33.
Variant type: single nucleotide variant.
Coding change: c.7572G>A on transcript NM_000426.4 (MANE Select); coding-DNA position 7572, G replaced by A.
Protein change: p.Glu2524=; no amino-acid change (glutamic acid 2524 retained).
Molecular consequence: synonymous variant.
Genome position (GRCh38, 1-based): chr6:129,478,813, G>A. VCF-style: chr6-129478813-G-A. GRCh37 (hg19) VCF-style: chr6-129799958-G-A.
Other names: c.7560G>A, p.Glu2520= (NM_001079823.2).
Identifiers: ClinVar variation 4855513 (VCV004855513.1).